The following is an entry in ClinVar:

NM_002242.4(KCNJ13):c.431T>C (p.Leu144Pro)

Genes: GIGYF2 (GRB10 interacting GYF protein 2; plus strand), KCNJ13 (potassium inwardly rectifying channel subfamily J member 13; minus strand). Cytogenetic location: 2q37.1.
Variant type: single nucleotide variant.
Coding change: c.431T>C on transcript NM_002242.4 (MANE Select); coding-DNA position 431, T replaced by C.
Protein change: p.Leu144Pro; replaces leucine 144 with proline.
Molecular consequence: missense variant. On other transcripts: intron variant (5).
Genome position (GRCh38, 1-based): chr2:232,770,932, A>G on the plus strand (T>C on the coding strand, the complement: KCNJ13 is on the minus strand). VCF-style: chr2-232770932-A-G. GRCh37 (hg19) VCF-style: chr2-233635642-A-G.
Other names: c.191T>C, p.Leu64Pro (NM_001172417.1); c.532+9496A>G (NM_001103146.3, NM_015575.4, NM_001103148.2); c.533-5480A>G (NM_001103147.2); c.224+207T>C (NM_001172416.1); short protein forms L144P, L64P.
Identifiers: ClinVar variation 916717 (VCV000916717.4), dbSNP rs1361858388, ClinGen allele CA351011908.

ClinVar aggregate classification (germline): Likely pathogenic. Review status: criteria provided, multiple submitters, no conflicts (2 of 4 stars). 3 submissions from 3 submitters: Likely pathogenic (2). 1 of the submissions does not count toward it. Last evaluated 2024-12-17.

Conditions:
Leber congenital amaurosis 16 (LCA16). Identifiers: Orphanet 65, MedGen C3280062, MONDO:0013613, OMIM 614186.
Retinitis pigmentosa (RP). Identifiers: Orphanet 791, MedGen C0035334, MeSH D012174, MONDO:0019200, OMIM 268000. Inheritance: Autosomal dominant, autosomal recessive and X linked inheritance.
KCNJ13-related disorders.

Allele frequency attached by ClinVar (database versions not stated): gnomAD exomes below 0.00001 and 0.00001.
gnomAD v4.1: 2 of 1,613,868 alleles (0.00012%); highest among the groups gnomAD compares: Admixed American, 0.0017%; no homozygotes.

Submissions (3):

Genomics, Clalit Research Institute, Clalit Health Care
Classification: Likely pathogenic for Retinitis pigmentosa. Last evaluated: 2024-12-17. Review status: criteria provided, single submitter. Criteria: ACMG Guidelines, 2015. Collection method: clinical testing. Allele origin: unknown. Inheritance: Autosomal recessive inheritance. Affected: yes. Observed: 1 homozygote.
Comment: This variant is found in 2/250,910 (0.0008%) alleles in gnomAD, with no reported homozygotes (pm2_support). This variant is reported in ClinVar in 2 affected homozygous sisters. This variant is strongly predicted to be deleterious by numerous prediction tools (pp3_strong). Taken together, we have classified this variant as likely pathogenic (pm2_support, pm3_support, pp3_strong).

Blueprint Genetics
Classification: Likely pathogenic for KCNJ13-related disorders. Last evaluated: 2020-01-17. Review status: criteria provided, single submitter. Criteria: ACMG Guidelines, 2015. Collection method: clinical testing. Allele origin: germline. Affected: yes. Observed: 4 variant alleles.

Moosajee Lab, UCL Institute of Ophthalmology
Classification: Uncertain significance for Leber congenital amaurosis 16. Review status: no assertion criteria provided. Collection method: clinical testing. Allele origin: inherited. Affected: yes. Observed: 2 homozygotes. Segregation with disease observed. Not counted in ClinVar's aggregate classification.